The following is an entry in ClinVar:

ClinVar aggregate classification (germline): Pathogenic. Review status: reviewed by expert panel (3 of 4 stars). 4 submissions from 4 submitters: Pathogenic (1). 3 of the submissions do not count toward it. Last evaluated 2023-08-04.

Conditions:
CDH1-related diffuse gastric and lobular breast cancer syndrome. Also called: CDH1-related diffuse gastric and lobular breast cancer. Identifiers: MedGen CN311521, MONDO:0100488.
Hereditary cancer-predisposing syndrome. Also called: Hereditary neoplastic syndrome; Tumor predisposition; Neoplastic Syndromes, Hereditary; Hereditary Cancer Syndrome. Identifiers: Orphanet 140162, MedGen C0027672, MeSH D009386, MONDO:0015356.
Hereditary diffuse gastric adenocarcinoma (HDGC). Also called: DIFFUSE GASTRIC AND LOBULAR BREAST CANCER SYNDROME. Identifiers: Orphanet 26106, MedGen C1708349, MONDO:0007648, OMIM 137215.

Submissions (4):

Clingen Gastric Cancer Variant Curation Expert Panel
Classification: Pathogenic for CDH1-related diffuse gastric and lobular breast cancer syndrome. Last evaluated: 2023-08-04. Review status: reviewed by expert panel. Criteria: ClinGen CDH1 ACMG Specifications V3.1. Collection method: curation. Allele origin: germline. Inheritance: Autosomal dominant inheritance.
Comment: The c.2311C>T (p.Gln771Ter) variant is predicted to result in a premature stop codon that leads to nonsense mediate decay (PVS1 and PM5_supporting). The variant is absent in the gnomAD cohort (PM2_supporting). Therefore, this variant meets criteria to be classified as pathogenic based on the ACMG/AMP criteria applied as specified by the CDH1 Variant Curation Expert Panel (CDH1 VCEP specifications version 3.1): PVS1, PM2_supporting, PM5_supporting.

Labcorp Genetics (formerly Invitae), Labcorp
Classification: Pathogenic for Hereditary diffuse gastric adenocarcinoma. Last evaluated: 2025-05-13. Review status: criteria provided, single submitter. Criteria: Invitae Variant Classification Sherloc (09022015). Collection method: clinical testing. Allele origin: germline. Not counted in ClinVar's aggregate classification.
Comment: This sequence change creates a premature translational stop signal (p.Gln771*) in the CDH1 gene. It is expected to result in an absent or disrupted protein product. Loss-of-function variants in CDH1 are known to be pathogenic (PMID: 15235021, 20373070). This variant is not present in population databases (gnomAD no frequency). This variant has not been reported in the literature in individuals affected with CDH1-related conditions. ClinVar contains an entry for this variant (Variation ID: 428624). For these reasons, this variant has been classified as Pathogenic.

Myriad Genetics, Inc.
Classification: Pathogenic for Hereditary diffuse gastric adenocarcinoma. Last evaluated: 2023-06-15. Review status: criteria provided, single submitter. Criteria: Myriad Autosomal Dominant, Autosomal Recessive and X-Linked Classification Criteria (2023). Collection method: clinical testing. Allele origin: unknown. Not counted in ClinVar's aggregate classification.
Comment: This variant is considered pathogenic. This variant creates a termination codon and is predicted to result in premature protein truncation.

Ambry Genetics
Classification: Pathogenic for Hereditary cancer-predisposing syndrome. Last evaluated: 2016-04-14. Review status: criteria provided, single submitter. Criteria: Ambry Autosomal Dominant and X-Linked criteria (10/2015). Collection method: clinical testing. Allele origin: germline. Observed: 1 variant allele. Not counted in ClinVar's aggregate classification.
Comment: The p.Q771* pathogenic mutation (also known as c.2311C>T), located in coding exon 15 of the CDH1 gene, results from a C to T substitution at nucleotide position 2311. This changes the amino acid from a glutamine to a stop codon within coding exon 15. Since premature stop codons are typically deleterious in nature, this alteration is interpreted as a disease-causing mutation (ACMG Recommendations for Standards for Interpretation and Reporting of Sequence Variations. Revision 2007. Genet Med. 2008;10:294).

Literature cited by the submitters: PubMed 15235021 (cited by Labcorp Genetics (formerly Invitae), Labcorp); PubMed 20373070 (cited by Labcorp Genetics (formerly Invitae), Labcorp).

NM_004360.5(CDH1):c.2311C>T (p.Gln771Ter)

Gene: CDH1 (cadherin 1; plus strand). Cytogenetic location: 16q22.1.
Variant type: single nucleotide variant.
Coding change: c.2311C>T on transcript NM_004360.5 (MANE Select); coding-DNA position 2311, C replaced by T.
Protein change: p.Gln771Ter; replaces glutamine 771 with a stop codon.
Molecular consequence: nonsense.
Genome position (GRCh38, 1-based): chr16:68,829,669, C>T. VCF-style: chr16-68829669-C-T. GRCh37 (hg19) VCF-style: chr16-68863572-C-T.
Other names: c.2311C>T (LRG_301t1); c.2128C>T, p.Gln710Ter (NM_001317184.2); c.763C>T, p.Gln255Ter (NM_001317185.2); c.346C>T, p.Gln116Ter (NM_001317186.2); short protein forms Q771*, Q116*, Q255*, Q710*.
Identifiers: ClinVar variation 428624 (VCV000428624.9), dbSNP rs1131690813, ClinGen allele CA396470822.